The following is an entry in ClinVar:

ClinVar aggregate classification (germline): Conflicting classifications of pathogenicity. Review status: criteria provided, conflicting classifications (1 of 4 stars). 4 submissions from 4 submitters: Uncertain significance (2); Likely benign (2). Last evaluated 2026-05-29.

Conditions:
Spondylometaphyseal dysplasia - Sutcliffe type. Also called: Spondylometaphyseal Dysplasia, Corner Fracture Type; Sutcliffe type of spondylometaphyseal dysplasia; Sutcliffe SMD; Spondylometaphyseal dysplasia, 'corner fracture' type. Identifiers: Orphanet 93315, MedGen C0432221, MONDO:0008479, OMIM 184255.
Glomerulopathy with fibronectin deposits 2 (GFND2). Identifiers: Orphanet 84090, MedGen C1866075, MONDO:0011165, OMIM 601894.
FN1-related disorder. Also called: FN1-related condition.

Allele frequency attached by ClinVar (database versions not stated): gnomAD exomes 0.00003 and 0.00006; ExAC 0.00005; ESP Exome Variant Server 0.00008; 1000 Genomes Project 30x 0.00016; 1000 Genomes Project 0.00020; TOPMed 0.00020; gnomAD 0.00021 and 0.00024.
gnomAD v4.1: 80 of 1,614,040 alleles (0.005%); highest among the groups gnomAD compares: African/African-American, 0.061%; no homozygotes.

Submissions (4):

PreventionGenetics, part of Exact Sciences
Classification: Uncertain significance for FN1-related condition. Last evaluated: 2026-05-29. Review status: criteria provided, single submitter. Criteria: ACMG Guidelines, 2015. Collection method: clinical testing. Allele origin: germline.
Comment: The FN1 c.3199G>A variant is predicted to result in the amino acid substitution p.Val1067Met. To our knowledge, this variant has not been reported in the literature. This variant is reported in 0.048% of alleles in individuals of African descent in gnomAD. Although we suspect that this variant may be benign, at this time, the clinical significance of this variant is uncertain due to the absence of conclusive functional and genetic evidence.

Blueprint Genetics
Classification: Likely benign. Last evaluated: 2024-10-24. Review status: criteria provided, single submitter. Criteria: ACMG Guidelines, 2015. Collection method: clinical testing. Allele origin: germline.

Labcorp Genetics (formerly Invitae), Labcorp
Classification: Likely benign. Last evaluated: 2024-01-19. Review status: criteria provided, single submitter. Criteria: Invitae Variant Classification Sherloc (09022015). Collection method: clinical testing. Allele origin: germline.

Fulgent Genetics
Classification: Uncertain significance for Spondylometaphyseal dysplasia - Sutcliffe type; Glomerulopathy with fibronectin deposits 2. Last evaluated: 2022-03-08. Review status: criteria provided, single submitter. Criteria: ACMG Guidelines, 2015. Collection method: clinical testing. Allele origin: unknown.

NM_212482.4(FN1):c.3199G>A (p.Val1067Met)

Gene: FN1 (fibronectin 1; minus strand). Cytogenetic location: 2q35.
Variant type: single nucleotide variant.
Coding change: c.3199G>A on transcript NM_212482.4 (MANE Select); coding-DNA position 3199, G replaced by A.
Protein change: p.Val1067Met; replaces valine 1067 with methionine.
Molecular consequence: missense variant.
Genome position (GRCh38, 1-based): chr2:215,404,443, C>T on the plus strand (G>A on the coding strand, the complement: FN1 is on the minus strand). VCF-style: chr2-215404443-C-T. GRCh37 (hg19) VCF-style: chr2-216269166-C-T.
Other names: c.3199G>A, p.Val1067Met (NM_001306129.2, NM_001306130.2, NM_001306131.2 and 13 more transcripts); c.3199G>A (NM_212482.2); short protein forms V1067M.
Identifiers: ClinVar variation 1436151 (VCV001436151.11), dbSNP rs145483591, ClinGen allele CA2094773.